The following is an entry in ClinVar:

ClinVar aggregate classification (germline): Pathogenic. Review status: criteria provided, multiple submitters, no conflicts (2 of 4 stars). 2 submissions from 2 submitters: Pathogenic (2). Last evaluated 2024-02-04.

Conditions:
Hereditary cancer-predisposing syndrome. Also called: Neoplastic Syndromes, Hereditary; Tumor predisposition; Hereditary Cancer Syndrome; Hereditary neoplastic syndrome. Identifiers: Orphanet 140162, MedGen C0027672, MeSH D009386, MONDO:0015356.
Bloom syndrome (BLM). Also called: Bloom-Torre-Machacek syndrome. Identifiers: Orphanet 125, MedGen C0005859, MONDO:0008876, OMIM 210900.

Submissions (2):

Labcorp Genetics (formerly Invitae), Labcorp
Classification: Pathogenic for Bloom syndrome. Last evaluated: 2024-02-04. Review status: criteria provided, single submitter. Criteria: Invitae Variant Classification Sherloc (09022015). Collection method: clinical testing. Allele origin: germline.
Comment: This sequence change creates a premature translational stop signal (p.Phe500Leufs*2) in the BLM gene. It is expected to result in an absent or disrupted protein product. Loss-of-function variants in BLM are known to be pathogenic (PMID: 17407155). This variant is not present in population databases (gnomAD no frequency). This variant has not been reported in the literature in individuals affected with BLM-related conditions. ClinVar contains an entry for this variant (Variation ID: 485348). For these reasons, this variant has been classified as Pathogenic.

Ambry Genetics
Classification: Pathogenic for Hereditary cancer-predisposing syndrome. Last evaluated: 2017-02-17. Review status: criteria provided, single submitter. Criteria: Ambry Variant Classification Scheme 2023. Collection method: clinical testing. Allele origin: germline.
Comment: The c.1500delT pathogenic mutation, located in coding exon 6 of the BLM gene, results from a deletion of one nucleotide at nucleotide position 1500, causing a translational frameshift with a predicted alternate stop codon (p.F500Lfs*2). This alteration is expected to result in loss of function by premature protein truncation or nonsense-mediated mRNA decay. As such, this alteration is interpreted as a disease-causing mutation.

Literature cited by the submitters: PubMed 17407155 (cited by Labcorp Genetics (formerly Invitae), Labcorp).

NM_000057.4(BLM):c.1500del (p.Phe500fs)

Gene: BLM (BLM RecQ like helicase; plus strand). Cytogenetic location: 15q26.1.
Variant type: Deletion.
Coding change: c.1500del on transcript NM_000057.4 (MANE Select); coding-DNA position 1500, one base deleted (T; older notation c.1500delT).
Protein change: p.Phe500fs; shifts the reading frame from phenylalanine 500.
Molecular consequence: frameshift variant.
Genome position (GRCh38, 1-based): chr15:90,760,873, T deleted; the last of 3 consecutive T bases (chr15:90,760,871-90,760,873); deleting any one gives the same sequence. VCF-style (leftmost placement, unchanged base first): chr15-90760870-CT-C. GRCh37 (hg19) VCF-style: chr15-91304100-CT-C.
Other names: c.1500del (LRG_20t1); c.1500del, p.Phe500fs (NM_001287246.2, NM_001287247.2); c.375del, p.Phe125fs (NM_001287248.2); short protein forms F500fs, F125fs.
Identifiers: ClinVar variation 485348 (VCV000485348.7), dbSNP rs1555419889, ClinGen allele CA658658317.